The following is an entry in ClinVar:

ClinVar aggregate classification (germline): Uncertain significance. Review status: criteria provided, multiple submitters, no conflicts (2 of 4 stars). 4 submissions from 4 submitters: Uncertain significance (3). 1 of the submissions does not count toward it. Last evaluated 2026-01-24.

Conditions:
FLNC-related disorder. Also called: FLNC-related condition; FLNC-related disorders.
Hypertrophic cardiomyopathy 26. Also called: Cardiomyopathy, familial hypertrophic, 26. Identifiers: Orphanet 75249, MedGen C4310749, MONDO:0014883, OMIM 617047.
Myofibrillar myopathy 5. Also called: Filaminopathy (type); FILAMINOPATHY, AUTOSOMAL DOMINANT. Identifiers: Orphanet 171445, MedGen C1836050, MONDO:0012289, OMIM 609524.
Distal myopathy with posterior leg and anterior hand involvement. Also called: WILLIAMS DISTAL MYOPATHY. Identifiers: Orphanet 63273, MedGen C3279722, MONDO:0013550, OMIM 614065.

Allele frequency attached by ClinVar (database versions not stated): gnomAD exomes 0.00001; TOPMed below 0.00001.
gnomAD v4.1: 11 of 1,613,246 alleles (0.00068%); highest among the groups gnomAD compares: East Asian, 0.0045%; no homozygotes.

Submissions (4):

Labcorp Genetics (formerly Invitae), Labcorp
Classification: Uncertain significance for Distal myopathy with posterior leg and anterior hand involvement; Myofibrillar myopathy 5; Hypertrophic cardiomyopathy 26. Last evaluated: 2026-01-24. Review status: criteria provided, single submitter. Criteria: Invitae Variant Classification Sherloc (09022015). Collection method: clinical testing. Allele origin: germline.
Comment: This sequence change replaces arginine, which is basic and polar, with cysteine, which is neutral and slightly polar, at codon 2190 of the FLNC protein (p.Arg2190Cys). This variant is present in population databases (no rsID available, gnomAD 0.002%). This missense change has been observed in individual(s) with FLNC-related conditions (internal data). ClinVar contains an entry for this variant (Variation ID: 1041025). An algorithm developed to predict the effect of missense changes on protein structure and function (PolyPhen-2) suggests that this variant is likely to be tolerated. In summary, the available evidence is currently insufficient to determine the role of this variant in disease. Therefore, it has been classified as a Variant of Uncertain Significance.

Women's Health and Genetics/Laboratory Corporation of America, LabCorp
Classification: Uncertain significance. Last evaluated: 2025-10-21. Review status: criteria provided, single submitter. Criteria: LabCorp Variant Classification Summary - May 2015. Collection method: clinical testing. Allele origin: germline.
Comment: Variant summary: FLNC c.6568C>T (p.Arg2190Cys) results in a non-conservative amino acid change in the encoded protein sequence. Algorithms developed to predict the effect of missense changes on protein structure and function all suggest that this variant is likely to be disruptive. The variant allele was found at a frequency of 8.1e-06 in 247678 control chromosomes. The available data on variant occurrences in the general population are insufficient to allow any conclusion about variant significance. To our knowledge, no occurrence of c.6568C>T in individuals affected with FLNC-related conditions and no experimental evidence demonstrating its impact on protein function have been reported. ClinVar contains an entry for this variant (Variation ID: 1041025). Based on the evidence outlined above, the variant was classified as uncertain significance.

Mayo Clinic Laboratories, Mayo Clinic
Classification: Uncertain significance. Last evaluated: 2021-07-29. Review status: criteria provided, single submitter. Criteria: ACMG Guidelines, 2015. Collection method: clinical testing. Allele origin: germline.

PreventionGenetics, part of Exact Sciences
Classification: Uncertain significance for FLNC-related condition. Last evaluated: 2024-07-18. Review status: no assertion criteria provided. Collection method: clinical testing. Allele origin: germline. Not counted in ClinVar's aggregate classification.
Comment: The FLNC c.6568C>T variant is predicted to result in the amino acid substitution p.Arg2190Cys. To our knowledge, this variant has not been reported in the literature. This variant is reported in 0.0018% of alleles in individuals of European (Non-Finnish) descent in gnomAD. At this time, the clinical significance of this variant is uncertain due to the absence of conclusive functional and genetic evidence.

NM_001458.5(FLNC):c.6568C>T (p.Arg2190Cys)

Genes: FLNC (filamin C; plus strand), FLNC-AS1 (FLNC antisense RNA 1; minus strand). Cytogenetic location: 7q32.1.
Variant type: single nucleotide variant.
Coding change: c.6568C>T on transcript NM_001458.5 (MANE Select); coding-DNA position 6568, C replaced by T.
Protein change: p.Arg2190Cys; replaces arginine 2190 with cysteine.
Molecular consequence: missense variant.
Genome position (GRCh38, 1-based): chr7:128,854,057, C>T. VCF-style: chr7-128854057-C-T. GRCh37 (hg19) VCF-style: chr7-128494111-C-T.
Other names: p.Arg2190Cys; c.6469C>T, p.Arg2157Cys (NM_001127487.2); short protein forms R2190C, R2157C.
Identifiers: ClinVar variation 1041025 (VCV001041025.11), dbSNP rs1474675847, ClinGen allele CA369212837.